The following is an entry in ClinVar:

NM_000554.6(CRX):c.*595C>T

Gene: CRX (cone-rod homeobox; plus strand). Cytogenetic location: 19q13.33.
Variant type: single nucleotide variant.
Coding change: c.*595C>T on transcript NM_000554.6 (MANE Select); 595 bases downstream of the stop codon, C replaced by T.
Molecular consequence: 3 prime UTR variant.
Genome position (GRCh38, 1-based): chr19:47,840,562, C>T. VCF-style: chr19-47840562-C-T. GRCh37 (hg19) VCF-style: chr19-48343819-C-T.
Identifiers: ClinVar variation 329715 (VCV000329715.5), dbSNP rs111448395, ClinGen allele CA10643051.

ClinVar aggregate classification (germline): Conflicting classifications of pathogenicity. Review status: criteria provided, conflicting classifications (1 of 4 stars). 3 submissions from 1 submitter: Uncertain significance (1); Benign (1); Likely benign (1). Last evaluated 2018-01-12.

Conditions:
Leber congenital amaurosis 7 (LCA7). Identifiers: Orphanet 65, MedGen C3151192, MONDO:0013449, OMIM 613829.
Retinitis pigmentosa (RP). Identifiers: Orphanet 791, MedGen C0035334, MeSH D012174, MONDO:0019200, OMIM 268000. Inheritance: Autosomal dominant, autosomal recessive and X linked inheritance.
Cone-rod dystrophy 2 (CORD2). Also called: CONE-ROD RETINAL DYSTROPHY; Cone-rod retinal dystrophy 2. Identifiers: Orphanet 1872, MedGen C3489532, MONDO:0007362, OMIM 120970.

Allele frequency attached by ClinVar (database versions not stated): 1000 Genomes Project 30x 0.00016; 1000 Genomes Project 0.00040; gnomAD 0.00159 and 0.00176; TOPMed 0.00162; gnomAD exomes 0.00290.
gnomAD v4.1: 259 of 153,280 alleles (0.17%); highest among the groups gnomAD compares: Non-Finnish European, 0.29%; 1 homozygote.

Submissions (3):

Illumina Laboratory Services, Illumina
Classification: Likely benign for Retinitis pigmentosa. Last evaluated: 2018-01-12. Review status: criteria provided, single submitter. Criteria: ICSL Variant Classification Criteria 13 December 2019. Collection method: clinical testing. Allele origin: germline.
Comment: This variant was observed in the ICSL laboratory as part of a predisposition screen in an ostensibly healthy population. It had not been previously curated by ICSL or reported in the Human Gene Mutation Database (HGMD: prior to June 1st, 2018), and was therefore a candidate for classification through an automated scoring system. Utilizing variant allele frequency, disease prevalence and penetrance estimates, and inheritance mode, an automated score was calculated to assess if this variant is too frequent to cause the disease. Based on the score and internal cut-off values, a variant classified as likely benign is not then subjected to further curation. The score for this variant resulted in a classification of likely benign for this disease.

Illumina Laboratory Services, Illumina
Classification: Benign for Cone-rod dystrophy 2. Last evaluated: 2018-01-12. Review status: criteria provided, single submitter. Criteria: ICSL Variant Classification Criteria 13 December 2019. Collection method: clinical testing. Allele origin: germline.
Comment: This variant was observed in the ICSL laboratory as part of a predisposition screen in an ostensibly healthy population. It had not been previously curated by ICSL or reported in the Human Gene Mutation Database (HGMD: prior to June 1st, 2018), and was therefore a candidate for classification through an automated scoring system. Utilizing variant allele frequency, disease prevalence and penetrance estimates, and inheritance mode, an automated score was calculated to assess if this variant is too frequent to cause the disease. Based on the score and internal cut-off values, a variant classified as benign is not then subjected to further curation. The score for this variant resulted in a classification of benign for this disease.

Illumina Laboratory Services, Illumina
Classification: Uncertain significance for Leber congenital amaurosis 7. Last evaluated: 2018-01-12. Review status: criteria provided, single submitter. Criteria: ICSL Variant Classification Criteria 13 December 2019. Collection method: clinical testing. Allele origin: germline.